The following is an entry in ClinVar:

NM_053025.4(MYLK):c.4725C>T (p.Tyr1575=)

Gene: MYLK (myosin light chain kinase; minus strand). Cytogenetic location: 3q21.1.
Variant type: single nucleotide variant.
Coding change: c.4725C>T on transcript NM_053025.4 (MANE Select); coding-DNA position 4725, C replaced by T.
Protein change: p.Tyr1575=; no amino-acid change (tyrosine 1575 retained).
Molecular consequence: synonymous variant.
Genome position (GRCh38, 1-based): chr3:123,640,399, G>A on the plus strand (C>T on the coding strand, the complement: MYLK is on the minus strand). VCF-style: chr3-123640399-G-A. GRCh37 (hg19) VCF-style: chr3-123359246-G-A.
Other names: c.4197C>T, p.Tyr1399= (NM_001321309.2); c.4518C>T, p.Tyr1506= (NM_053026.4, NM_053028.4); c.4725C>T, p.Tyr1575= (NM_053027.4).
Identifiers: ClinVar variation 342870 (VCV000342870.27), dbSNP rs374665486, ClinGen allele CA072007.

ClinVar aggregate classification (germline): Conflicting classifications of pathogenicity. Review status: criteria provided, conflicting classifications (1 of 4 stars). 6 submissions from 6 submitters: Uncertain significance (1); Benign (1); Likely benign (3). 1 of the submissions does not count toward it. Last evaluated 2026-01-28.

Conditions:
MYLK-related disorder. Also called: MYLK-related condition.
Familial thoracic aortic aneurysm and aortic dissection (TAAD). Also called: Thoracic aortic aneurysms and dissections. Identifiers: Orphanet 91387, MedGen C4707243, MONDO:0019625.
Aortic aneurysm, familial thoracic 7 (AAT7). Also called: AORTIC DISSECTION, FAMILIAL, WITH OR WITHOUT AORTIC ANEURYSM. Identifiers: MedGen C3151077, MONDO:0013418, OMIM 613780.

Allele frequency attached by ClinVar (database versions not stated): gnomAD exomes 0.00006 and 0.00012; gnomAD 0.00009; ExAC 0.00010; TOPMed 0.00010; ESP Exome Variant Server 0.00015.
gnomAD v4.1: 114 of 1,613,754 alleles (0.0071%); highest among the groups gnomAD compares: Non-Finnish European, 0.00059%; no homozygotes.

Submissions (6):

Labcorp Genetics (formerly Invitae), Labcorp
Classification: Likely benign for Aortic aneurysm, familial thoracic 7. Last evaluated: 2026-01-28. Review status: criteria provided, single submitter. Criteria: Invitae Variant Classification Sherloc (09022015). Collection method: clinical testing. Allele origin: germline.

Women's Health and Genetics/Laboratory Corporation of America, LabCorp
Classification: Benign. Last evaluated: 2023-12-10. Review status: criteria provided, single submitter. Criteria: LabCorp Variant Classification Summary - May 2015. Collection method: clinical testing. Allele origin: germline.

GeneDx
Classification: Likely benign. Last evaluated: 2021-10-13. Review status: criteria provided, single submitter. Criteria: GeneDx Variant Classification Process June 2021. Collection method: clinical testing. Allele origin: germline. Affected: yes.

Illumina Laboratory Services, Illumina
Classification: Uncertain significance for Aortic aneurysm, familial thoracic 7. Last evaluated: 2018-01-13. Review status: criteria provided, single submitter. Criteria: ICSL Variant Classification Criteria 13 December 2019. Collection method: clinical testing. Allele origin: germline.

Ambry Genetics
Classification: Likely benign for Familial thoracic aortic aneurysm and aortic dissection. Last evaluated: 2016-07-01. Review status: criteria provided, single submitter. Criteria: Ambry Variant Classification Scheme 2023. Collection method: clinical testing. Allele origin: germline.

PreventionGenetics, part of Exact Sciences
Classification: Likely benign for MYLK-related condition. Last evaluated: 2024-06-02. Review status: no assertion criteria provided. Collection method: clinical testing. Allele origin: germline. Not counted in ClinVar's aggregate classification.
Comment: This variant is classified as likely benign based on ACMG/AMP sequence variant interpretation guidelines (Richards et al. 2015 PMID: 25741868, with internal and published modifications).